The following is an entry in ClinVar:

ClinVar aggregate classification (germline): Likely benign (1 of 4 stars; one submission).

Conditions:
NCOA1-related disorder. Also called: NCOA1-related condition.

gnomAD v4.1: 31 of 1,612,244 alleles (0.0019%); highest among the groups gnomAD compares: Non-Finnish European, 0.0025%; no homozygotes.

Submission:

PreventionGenetics, part of Exact Sciences
Classification: Likely benign for NCOA1-related condition. Last evaluated: 2025-09-22. Review status: criteria provided, single submitter. Criteria: ACMG Guidelines, 2015. Collection method: clinical testing. Allele origin: germline.
Comment: This variant is classified as likely benign based on ACMG/AMP sequence variant interpretation guidelines (Richards et al. 2015 PMID: 25741868, with internal and published modifications).

NM_003743.5(NCOA1):c.3192A>G (p.Gly1064=)

Gene: NCOA1 (nuclear receptor coactivator 1; plus strand). Cytogenetic location: 2p23.3.
Variant type: single nucleotide variant.
Coding change: c.3192A>G on transcript NM_003743.5 (MANE Select); coding-DNA position 3192, A replaced by G.
Protein change: p.Gly1064=; no amino-acid change (glycine 1064 retained).
Molecular consequence: synonymous variant.
Genome position (GRCh38, 1-based): chr2:24,729,806, A>G. VCF-style: chr2-24729806-A-G. GRCh37 (hg19) VCF-style: chr2-24952675-A-G.
Other names: c.3192A>G, p.Gly1064= (NM_001362950.1, NM_001362952.1, NM_001362954.1 and 3 more transcripts).
Identifiers: ClinVar variation 4985359 (VCV004985359.1).
Genomic context (GRCh38, chr2:24,729,806, plus strand): 5'-AAACAGACCTCCGGCTGCACCTAACCAGCTTCGACTTCAACTACAGCAGCGATTACAGGG[A>G]CAACAGCAGGTAAGTGCTCTTGTTTAGCAGTTGATACTTTTTTTTTTTTTGAGACGAAGT-3'
Protein context (NP_003734.3, residues 1054-1074): LRLQLQQRLQ[Gly1064=]QQQLIHQNRQ